The following is an entry in ClinVar:

NM_032043.3(BRIP1):c.719A>C (p.Lys240Thr)

Gene: BRIP1 (BRCA1 interacting DNA helicase 1; minus strand). Cytogenetic location: 17q23.2.
Variant type: single nucleotide variant.
Coding change: c.719A>C on transcript NM_032043.3 (MANE Select); coding-DNA position 719, A replaced by C.
Protein change: p.Lys240Thr; replaces lysine 240 with threonine.
Molecular consequence: missense variant.
Genome position (GRCh38, 1-based): chr17:61,808,666, T>G on the plus strand (A>C on the coding strand, the complement: BRIP1 is on the minus strand). VCF-style: chr17-61808666-T-G. GRCh37 (hg19) VCF-style: chr17-59886027-T-G.
Other names: short protein forms K240T.
Identifiers: ClinVar variation 940491 (VCV000940491.12), dbSNP rs1350322711, ClinGen allele CA400485055.

ClinVar aggregate classification (germline): Uncertain significance. Review status: criteria provided, multiple submitters, no conflicts (2 of 4 stars). 3 submissions from 3 submitters: Uncertain significance (3). Last evaluated 2024-04-23.

Conditions:
Hereditary cancer-predisposing syndrome. Also called: Tumor predisposition; Hereditary neoplastic syndrome; Neoplastic Syndromes, Hereditary; Hereditary Cancer Syndrome. Identifiers: Orphanet 140162, MedGen C0027672, MeSH D009386, MONDO:0015356.
Familial cancer of breast. Also called: hereditary breast carcinoma; BREAST CANCER, FAMILIAL; Hereditary breast cancer. Identifiers: Orphanet 227535, MedGen C0346153, MONDO:0016419, OMIM 114480. Disease mechanism: loss of function.
Fanconi anemia complementation group J. Also called: BRIP1-Related Fanconi Anemia. Identifiers: Orphanet 84, MedGen C1836860, MONDO:0012187, OMIM 609054.

Allele frequency attached by ClinVar (database versions not stated): gnomAD exomes below 0.00001.
gnomAD v4.1: 1 of 1,613,986 alleles (0.000062%); highest among the groups gnomAD compares: East Asian, 0.0022%; no homozygotes.

Submissions (3):

Women's Health and Genetics/Laboratory Corporation of America, LabCorp
Classification: Uncertain significance. Last evaluated: 2024-04-23. Review status: criteria provided, single submitter. Criteria: LabCorp Variant Classification Summary - May 2015. Collection method: clinical testing. Allele origin: germline.

Labcorp Genetics (formerly Invitae), Labcorp
Classification: Uncertain significance for Familial cancer of breast; Fanconi anemia complementation group J. Last evaluated: 2023-11-13. Review status: criteria provided, single submitter. Criteria: Invitae Variant Classification Sherloc (09022015). Collection method: clinical testing. Allele origin: germline.
Comment: This sequence change replaces lysine, which is basic and polar, with threonine, which is neutral and polar, at codon 240 of the BRIP1 protein (p.Lys240Thr). This variant is present in population databases (no rsID available, gnomAD 0.006%). This variant has not been reported in the literature in individuals affected with BRIP1-related conditions. ClinVar contains an entry for this variant (Variation ID: 940491). Advanced modeling of protein sequence and biophysical properties (such as structural, functional, and spatial information, amino acid conservation, physicochemical variation, residue mobility, and thermodynamic stability) performed at Invitae indicates that this missense variant is not expected to disrupt BRIP1 protein function with a negative predictive value of 80%. In summary, the available evidence is currently insufficient to determine the role of this variant in disease. Therefore, it has been classified as a Variant of Uncertain Significance.

Ambry Genetics
Classification: Uncertain significance for Hereditary cancer-predisposing syndrome. Last evaluated: 2023-08-26. Review status: criteria provided, single submitter. Criteria: Ambry Variant Classification Scheme 2023. Collection method: clinical testing. Allele origin: germline.
Comment: The p.K240T variant (also known as c.719A>C), located in coding exon 6 of the BRIP1 gene, results from an A to C substitution at nucleotide position 719. The lysine at codon 240 is replaced by threonine, an amino acid with similar properties. This amino acid position is conserved. In addition, this alteration is predicted to be tolerated by in silico analysis. Since supporting evidence is limited at this time, the clinical significance of this alteration remains unclear.